The following is an entry in ClinVar:

NM_006939.4(SOS2):c.1983A>G (p.Ile661Met)

Gene: SOS2 (SOS Ras/Rho guanine nucleotide exchange factor 2; minus strand). Cytogenetic location: 14q21.3.
Variant type: single nucleotide variant.
Coding change: c.1983A>G on transcript NM_006939.4 (MANE Select); coding-DNA position 1983, A replaced by G.
Protein change: p.Ile661Met; replaces isoleucine 661 with methionine.
Molecular consequence: missense variant.
Genome position (GRCh38, 1-based): chr14:50,157,073, T>C on the plus strand (A>G on the coding strand, the complement: SOS2 is on the minus strand). VCF-style: chr14-50157073-T-C. GRCh37 (hg19) VCF-style: chr14-50623791-T-C.
Other names: c.1884A>G, p.Ile628Met (NM_001411020.1); short protein forms I661M, I628M.
Identifiers: ClinVar variation 1783836 (VCV001783836.2), dbSNP rs2502974864, ClinGen allele CA389644504.
Genomic context (GRCh38, chr14:50,157,073, plus strand): 5'-TTGGACATATTCCTTGCGAAATCTTTTAAGGTCTGCACTGATTGGCTGCTCGCCTTTCTC[T>C]ATTGCCAATTTGTCTGCGTCAGTAGGTTCTGGCTCTGGAATTTCAAACCTAAGAAGAAAA-3'
Protein context (NP_008870.2, residues 651-671): PEPTDADKLA[Ile661Met]EKGEQPISAD

ClinVar aggregate classification (germline): Uncertain significance (1 of 4 stars; one submission).

Conditions:
Cardiovascular phenotype. Identifiers: MedGen CN230736.

Allele frequency attached by ClinVar (database versions not stated): gnomAD exomes below 0.00001.
gnomAD v4.1: 1 of 1,612,788 alleles (0.000062%); highest among the groups gnomAD compares: Non-Finnish European, 0.000085%; no homozygotes.

Submission:

Ambry Genetics
Classification: Uncertain significance for Cardiovascular phenotype. Last evaluated: 2022-02-14. Review status: criteria provided, single submitter. Criteria: Ambry Variant Classification Scheme 2023. Collection method: clinical testing. Allele origin: germline.
Comment: The p.I661M variant (also known as c.1983A>G), located in coding exon 12 of the SOS2 gene, results from an A to G substitution at nucleotide position 1983. The isoleucine at codon 661 is replaced by methionine, an amino acid with highly similar properties. This amino acid position is conserved. In addition, this alteration is predicted to be tolerated by in silico analysis. Since supporting evidence is limited at this time, the clinical significance of this alteration remains unclear.